The following is an entry in ClinVar:

NM_014698.3(TMEM63A):c.503G>A (p.Gly168Glu)

Gene: TMEM63A (transmembrane protein 63A; minus strand). Cytogenetic location: 1q42.12.
Variant type: single nucleotide variant.
Coding change: c.503G>A on transcript NM_014698.3 (MANE Select); coding-DNA position 503, G replaced by A.
Protein change: p.Gly168Glu; replaces glycine 168 with glutamic acid.
Molecular consequence: missense variant.
Genome position (GRCh38, 1-based): chr1:225,867,899, C>T on the plus strand (G>A on the coding strand, the complement: TMEM63A is on the minus strand). VCF-style: chr1-225867899-C-T. GRCh37 (hg19) VCF-style: chr1-226055599-C-T.
Other names: short protein forms G168E.
Identifiers: ClinVar variation 689459 (VCV000689459.5), dbSNP rs1576101665, ClinGen allele CA345024153.

ClinVar aggregate classification (germline): Pathogenic. Review status: criteria provided, multiple submitters, no conflicts (2 of 4 stars). 3 submissions from 3 submitters: Pathogenic (2). 1 of the submissions does not count toward it. Last evaluated 2025-02-19.

Conditions:
Leukodystrophy, hypomyelinating, 19, transient infantile. Identifiers: MedGen C5231463, MONDO:0032871, OMIM 618688.
Leukodystrophy. Identifiers: Orphanet 68356, MedGen C0023520, MONDO:0019046, HP:0002415.

Submissions (3):

Pediatric Department, Peking University First Hospital
Classification: Pathogenic for Leukodystrophy, hypomyelinating, 19, transient infantile. Last evaluated: 2025-02-19. Review status: criteria provided, single submitter. Criteria: ACMG Guidelines, 2015. Collection method: research. Allele origin: de novo. Affected: yes.
Comment: The NM_014698.3:c.503G>A is a missense variant in TMEM63A that results in the same amino acid change as a previously established pathogenic variant reported in the literature (PMID: 31587869) (PS1). The variant was predicted to be de novo with no family history, confirming by Next-Generation Sequencing and Sanger sequencing (PS2). Matrix-assisted laser desorption ionization mass spectrometry imaging (MALDI-MSI) technology and electron microscopy technology, used on Tmem63aG167E/G167E rats, confirmed that the Tmem63a variant led to damaging effects, including changes in lipid metabolism and distribution in different brain regions and abnormal myelination and structure in rats (PS3) (This paper is currently under submission). According to the public databases such as the gnomAD, Exome Sequencing Project 6500 (ESP6500), 1000 Genomes and ExAC, the variant was not present in control populations (PM2).The variant was predicted to be damaging by multiple silico tools, including VariantTaster, SIFT, Polyphen-2 and M-Cap, and the CADD score was 25.3 (PP3). In summary, this variant meets criteria to be classified as pathogenic for HLD19 based on the ACMG criteria applied: PS1, PS2, PS3, PM2, PP3.

Simons Lab, The University of Queensland
Classification: Pathogenic for Leukodystrophy. Last evaluated: 2019-09-04. Review status: criteria provided, single submitter. Criteria: ACMG Guidelines, 2015. Collection method: research, in vitro. Allele origin: de novo, not applicable. Inheritance: Autosomal dominant inheritance. Affected: yes. Observed: 1 heterozygote. Functional consequence: effect on protein activity.
Comment: In vitro evidence through a cell-based stretch-activated channel activity assay indicates that the variant disrupts normal function of the mechanically activated channel (Murthy 2018). In summary, the Gly168Glu variant meets criteria to be classified as pathogenic with the following evidence: PS2, PS3, PM2, PP3.

OMIM
Classification: Pathogenic for LEUKODYSTROPHY, HYPOMYELINATING, 19, TRANSIENT INFANTILE. Last evaluated: 2019-12-09. Review status: no assertion criteria provided. Collection method: literature only. Allele origin: germline. Not counted in ClinVar's aggregate classification.

Literature cited by the submitters: PubMed 31587869 (cited by Pediatric Department, Peking University First Hospital and OMIM).